The following is an entry in ClinVar:

ClinVar aggregate classification (germline): Uncertain significance (1 of 4 stars; one submission).

Allele frequency attached by ClinVar (database versions not stated): gnomAD exomes below 0.00001 and 0.00002; ExAC 0.00002; gnomAD 0.00002 and 0.00003; TOPMed 0.00002; 1000 Genomes Project 0.00020; 1000 Genomes Project 30x 0.00031.
gnomAD v4.1: 12 of 1,614,146 alleles (0.00074%); highest among the groups gnomAD compares: East Asian, 0.025%; no homozygotes.

Submission:

Labcorp Genetics (formerly Invitae), Labcorp
Classification: Uncertain significance. Last evaluated: 2019-07-17. Review status: criteria provided, single submitter. Criteria: Invitae Variant Classification Sherloc (09022015). Collection method: clinical testing. Allele origin: germline.
Comment: This sequence change replaces serine with threonine at codon 797 of the CDH3 protein (p.Ser797Thr). The serine residue is moderately conserved and there is a small physicochemical difference between serine and theronine. This variant is present in population databases (rs199844570, ExAC 0.03%). This variant has not been reported in the literature in individuals with CDH3-related conditions. Algorithms developed to predict the effect of missense changes on protein structure and function output the following: SIFT: "Tolerated"; PolyPhen-2: "Benign"; Align-GVGD: "Class C0". The threonine amino acid residue is found in multiple mammalian species, suggesting that this missense change does not adversely affect protein function. These predictions have not been confirmed by published functional studies and their clinical significance is uncertain. In summary, the available evidence is currently insufficient to determine the role of this variant in disease. Therefore, it has been classified as a Variant of Uncertain Significance.

NM_001793.6(CDH3):c.2389T>A (p.Ser797Thr)

Gene: CDH3 (cadherin 3; plus strand). Cytogenetic location: 16q22.1.
Variant type: single nucleotide variant.
Coding change: c.2389T>A on transcript NM_001793.6 (MANE Select); coding-DNA position 2389, T replaced by A.
Protein change: p.Ser797Thr; replaces serine 797 with threonine.
Molecular consequence: missense variant. On other transcripts: 3 prime UTR variant (1).
Genome position (GRCh38, 1-based): chr16:68,698,299, T>A. VCF-style: chr16-68698299-T-A. GRCh37 (hg19) VCF-style: chr16-68732202-T-A.
Other names: c.*132T>A (NM_001317195.3); c.2224T>A, p.Ser742Thr (NM_001317196.2); short protein forms S797T, S742T.
Identifiers: ClinVar variation 933767 (VCV000933767.7), dbSNP rs199844570, ClinGen allele CA8129725.
Genomic context (GRCh38, chr16:68,698,299, plus strand): 5'-CTCTTGGTGTTCGACTATGAGGGCAGCGGCTCCGACGCCGCGTCCCTGAGCTCCCTCACC[T>A]CCTCCGCCTCCGACCAAGACCAAGATTACGATTATCTGAACGAGTGGGGCAGCCGCTTCA-3'
Protein context (NP_001784.2, residues 787-807): SDAASLSSLT[Ser797Thr]SASDQDQDYD